The following is an entry in ClinVar:

ClinVar aggregate classification (germline): Uncertain significance (1 of 4 stars; one submission).

Allele frequency attached by ClinVar (database versions not stated): TOPMed below 0.00001; gnomAD exomes 0.00001; ESP Exome Variant Server 0.00008.
gnomAD v4.1: 6 of 1,614,156 alleles (0.00037%); highest among the groups gnomAD compares: Non-Finnish European, 0.00051%; no homozygotes.

Submission:

Labcorp Genetics (formerly Invitae), Labcorp
Classification: Uncertain significance. Last evaluated: 2022-07-12. Review status: criteria provided, single submitter. Criteria: Invitae Variant Classification Sherloc (09022015). Collection method: clinical testing. Allele origin: germline.
Comment: In summary, the available evidence is currently insufficient to determine the role of this variant in disease. Therefore, it has been classified as a Variant of Uncertain Significance. Algorithms developed to predict the effect of missense changes on protein structure and function are either unavailable or do not agree on the potential impact of this missense change (SIFT: "Tolerated"; PolyPhen-2: "Possibly Damaging"; Align-GVGD: "Class C0"). This variant has not been reported in the literature in individuals affected with SZT2-related conditions. This variant is present in population databases (rs375198085, gnomAD 0.0009%). This sequence change replaces arginine, which is basic and polar, with histidine, which is basic and polar, at codon 3293 of the SZT2 protein (p.Arg3293His).

NM_001365999.1(SZT2):c.10049G>A (p.Arg3350His)

Gene: SZT2 (SZT2 subunit of KICSTOR complex; plus strand). Cytogenetic location: 1p34.2.
Variant type: single nucleotide variant.
Coding change: c.10049G>A on transcript NM_001365999.1 (MANE Select); coding-DNA position 10049, G replaced by A.
Protein change: p.Arg3350His; replaces arginine 3350 with histidine.
Molecular consequence: missense variant.
Genome position (GRCh38, 1-based): chr1:43,448,691, G>A. VCF-style: chr1-43448691-G-A. GRCh37 (hg19) VCF-style: chr1-43914362-G-A.
Other names: c.9878G>A, p.Arg3293His (NM_015284.4); c.1490G>A, p.Arg497His (NM_024547.1); short protein forms R3293H, R3350H, R497H.
Identifiers: ClinVar variation 2045424 (VCV002045424.2), dbSNP rs375198085, ClinGen allele CA811069.